The following is an entry in ClinVar:

NM_018942.3(HMX1):c.567_585del (p.Gly190fs)

Gene: HMX1 (H6 family homeobox 1; minus strand). Cytogenetic location: 4p16.1.
Variant type: Deletion.
Coding change: c.567_585del on transcript NM_018942.3 (MANE Select); coding-DNA positions 567 to 585, 19 bases deleted (TGGGGAGACACGCGGCGGC).
Protein change: p.Gly190fs; shifts the reading frame from glycine 190.
Molecular consequence: frameshift variant. On other transcripts: intron variant (1).
Genome position (GRCh38, 1-based): chr4:8,868,155-8,868,173, GCCGCCGCGTGTCTCCCCA deleted on the plus strand (TGGGGAGACACGCGGCGGC on the coding strand, the reverse complement: HMX1 is on the minus strand); deleting any 19 consecutive bases within chr4:8,868,155-8,868,181 gives the same sequence; the c. name uses the placement nearest the transcript's 3' end. VCF-style (leftmost placement, unchanged base first): chr4-8868154-CGCCGCCGCGTGTCTCCCCA-C. GRCh37 (hg19) VCF-style: chr4-8869880-CGCCGCCGCGTGTCTCCCCA-C.
Other names: c.394+3048_394+3066del (NM_001306142.2); short protein forms G190fs.
Identifiers: ClinVar variation 2104651 (VCV002104651.2), dbSNP rs1722085154, ClinGen allele CA1059095540.
Genomic context (GRCh38, chr4:8,868,154, plus strand): 5'-AGACCTGGCTGCGGGAGAAGACTGTGCGCGTCTTCTTCTTTCGGCCGCCGCCCACGCCAA[CGCCGCCGCGTGTCTCCCCA>C]GCCGCCGCAGGGACCTCGGCCAGCTCCGACGCCTCCTCCGTGCCGGCCGCCGGGCCACGC-3'

ClinVar aggregate classification (germline): Uncertain significance. Review status: criteria provided, multiple submitters, no conflicts (2 of 4 stars). 2 submissions from 2 submitters: Uncertain significance (2). Last evaluated 2023-03-07.

Submissions (2):

Blueprint Genetics
Classification: Uncertain significance. Last evaluated: 2023-03-07. Review status: criteria provided, single submitter. Criteria: ACMG Guidelines, 2015. Collection method: clinical testing. Allele origin: germline.

Labcorp Genetics (formerly Invitae), Labcorp
Classification: Uncertain significance. Last evaluated: 2022-02-28. Review status: criteria provided, single submitter. Criteria: Invitae Variant Classification Sherloc (09022015). Collection method: clinical testing. Allele origin: germline.
Comment: This sequence change creates a premature translational stop signal (p.Gly190Leufs*29) in the HMX1 gene. While this is not anticipated to result in nonsense mediated decay, it is expected to disrupt the last 159 amino acid(s) of the HMX1 protein. This variant is not present in population databases (gnomAD no frequency). This variant has not been reported in the literature in individuals affected with HMX1-related conditions. Experimental studies and prediction algorithms are not available or were not evaluated, and the functional significance of this variant is currently unknown. In summary, the available evidence is currently insufficient to determine the role of this variant in disease. Therefore, it has been classified as a Variant of Uncertain Significance.